The following is an entry in ClinVar:

NM_000368.5(TSC1):c.3414T>C (p.Pro1138=)

Gene: TSC1 (TSC complex subunit 1; minus strand). Cytogenetic location: 9q34.13.
Variant type: single nucleotide variant.
Coding change: c.3414T>C on transcript NM_000368.5 (MANE Select); coding-DNA position 3414, T replaced by C.
Protein change: p.Pro1138=; no amino-acid change (proline 1138 retained).
Molecular consequence: synonymous variant.
Genome position (GRCh38, 1-based): chr9:132,896,316, A>G on the plus strand (T>C on the coding strand, the complement: TSC1 is on the minus strand). VCF-style: chr9-132896316-A-G. GRCh37 (hg19) VCF-style: chr9-135771703-A-G.
Other names: c.3411T>C, p.Pro1137= (NM_001162426.2); c.3261T>C, p.Pro1087= (NM_001162427.2); c.3051T>C, p.Pro1017= (NM_001362177.2).
Identifiers: ClinVar variation 416647 (VCV000416647.23), dbSNP rs745475737, ClinGen allele CA036842.

ClinVar aggregate classification (germline): Benign/Likely benign. Review status: criteria provided, multiple submitters, no conflicts (2 of 4 stars). 7 submissions from 7 submitters: Benign (4); Likely benign (3). Last evaluated 2026-05-01.

Conditions:
Hereditary cancer-predisposing syndrome. Also called: Tumor predisposition; Hereditary neoplastic syndrome; Hereditary Cancer Syndrome; Neoplastic Syndromes, Hereditary. Identifiers: Orphanet 140162, MedGen C0027672, MeSH D009386, MONDO:0015356.
Lymphangiomyomatosis (LAM). Also called: Lymphangioleiomyomatosis, somatic; Lymphangioleiomyomatosis. Identifiers: Orphanet 538, MedGen C0751674, MONDO:0011705, OMIM 606690.
Isolated focal cortical dysplasia type II (FCORD2). Also called: CORTICAL DYSPLASIA OF TAYLOR; Focal cortical dysplasia type II. Identifiers: Orphanet 268994, MedGen C1846385, MONDO:0011818, OMIM 607341, HP:0032051.
Tuberous sclerosis 1 (TSC1). Identifiers: Orphanet 805, MedGen C1854465, MONDO:0008612, OMIM 191100.

Allele frequency attached by ClinVar (database versions not stated): gnomAD exomes 0.00003 and 0.00006; ExAC 0.00005; TOPMed 0.00005; gnomAD 0.00001.
gnomAD v4.1: 20 of 1,614,056 alleles (0.0012%); highest among the groups gnomAD compares: Admixed American, 0.033%; no homozygotes.

Submissions (7):

CeGaT Center for Human Genetics Tuebingen
Classification: Likely benign. Last evaluated: 2026-05-01. Review status: criteria provided, single submitter. Criteria: CeGaT Center For Human Genetics Tuebingen Variant Classification Criteria Version 2. Collection method: clinical testing. Allele origin: germline. Affected: yes. Observed: 1 variant allele.
Comment: TSC1: BP4, BP7

Labcorp Genetics (formerly Invitae), Labcorp
Classification: Benign for Tuberous sclerosis 1. Last evaluated: 2025-12-12. Review status: criteria provided, single submitter. Criteria: Invitae Variant Classification Sherloc (09022015). Collection method: clinical testing. Allele origin: germline.

Women's Health and Genetics/Laboratory Corporation of America, LabCorp
Classification: Benign. Last evaluated: 2025-05-23. Review status: criteria provided, single submitter. Criteria: LabCorp Variant Classification Summary - May 2015. Collection method: clinical testing. Allele origin: germline.

Myriad Genetics, Inc.
Classification: Benign for Tuberous sclerosis 1. Last evaluated: 2025-04-30. Review status: criteria provided, single submitter. Criteria: Myriad Autosomal Dominant, Autosomal Recessive and X-Linked Classification Criteria (2023). Collection method: clinical testing. Allele origin: unknown.
Comment: This variant is considered benign. This variant is a silent/synonymous amino acid change and it is not expected to impact splicing.

Fulgent Genetics
Classification: Likely benign for Tuberous sclerosis 1; Lymphangiomyomatosis; Isolated focal cortical dysplasia type II. Last evaluated: 2022-02-02. Review status: criteria provided, single submitter. Criteria: ACMG Guidelines, 2015. Collection method: clinical testing. Allele origin: unknown.

Genome-Nilou Lab
Classification: Benign for Tuberous sclerosis 1. Last evaluated: 2021-11-07. Review status: criteria provided, single submitter. Criteria: ACMG Guidelines, 2015. Collection method: clinical testing. Allele origin: germline. Affected: no.

Ambry Genetics
Classification: Likely benign for Hereditary cancer-predisposing syndrome. Last evaluated: 2018-02-28. Review status: criteria provided, single submitter. Criteria: Ambry Variant Classification Scheme 2023. Collection method: clinical testing. Allele origin: germline.